The following is an entry in ClinVar:

ClinVar aggregate classification (germline): Uncertain significance. Review status: criteria provided, multiple submitters, no conflicts (2 of 4 stars). 2 submissions from 2 submitters: Uncertain significance (2). Last evaluated 2022-06-24.

Conditions:
Inborn genetic diseases. Identifiers: MedGen C0950123, MeSH D030342.
EAST syndrome (SESAMES). Also called: SEIZURES, SENSORINEURAL DEAFNESS, ATAXIA, IMPAIRED INTELLECTUAL DEVELOPMENT, AND ELECTROLYTE IMBALANCE. Identifiers: Orphanet 199343, MedGen C2748572, MONDO:0013005, OMIM 612780.

Submissions (2):

Ambry Genetics
Classification: Uncertain significance for Inborn genetic diseases. Last evaluated: 2022-06-24. Review status: criteria provided, single submitter. Criteria: Ambry Variant Classification Scheme 2023. Collection method: clinical testing. Allele origin: germline.

Labcorp Genetics (formerly Invitae), Labcorp
Classification: Uncertain significance for EAST syndrome. Last evaluated: 2021-12-06. Review status: criteria provided, single submitter. Criteria: Invitae Variant Classification Sherloc (09022015). Collection method: clinical testing. Allele origin: germline.
Comment: Algorithms developed to predict the effect of missense changes on protein structure and function are either unavailable or do not agree on the potential impact of this missense change (SIFT: "Deleterious"; PolyPhen-2: "Probably Damaging"; Align-GVGD: "Class C0"). This sequence change replaces cysteine, which is neutral and slightly polar, with arginine, which is basic and polar, at codon 294 of the KCNJ10 protein (p.Cys294Arg). This variant is not present in population databases (gnomAD no frequency). This variant has not been reported in the literature in individuals affected with KCNJ10-related conditions. In summary, the available evidence is currently insufficient to determine the role of this variant in disease. Therefore, it has been classified as a Variant of Uncertain Significance.

NM_002241.5(KCNJ10):c.880T>C (p.Cys294Arg)

Gene: KCNJ10 (potassium inwardly rectifying channel subfamily J member 10; minus strand). Cytogenetic location: 1q23.2.
Variant type: single nucleotide variant.
Coding change: c.880T>C on transcript NM_002241.5 (MANE Select); coding-DNA position 880, T replaced by C.
Protein change: p.Cys294Arg; replaces cysteine 294 with arginine.
Molecular consequence: missense variant.
Genome position (GRCh38, 1-based): chr1:160,041,653, A>G on the plus strand (T>C on the coding strand, the complement: KCNJ10 is on the minus strand). VCF-style: chr1-160041653-A-G. GRCh37 (hg19) VCF-style: chr1-160011443-A-G.
Other names: c.880T>C (NM_002241.4); short protein forms C294R.
Identifiers: ClinVar variation 1396456 (VCV001396456.7), dbSNP rs2101924693, ClinGen allele CA343224183.